The following is an entry in ClinVar:

NM_016156.6(MTMR2):c.*1444C>G

Gene: MTMR2 (myotubularin related protein 2; minus strand). Cytogenetic location: 11q21.
Variant type: single nucleotide variant.
Coding change: c.*1444C>G on transcript NM_016156.6 (MANE Select); 1444 bases downstream of the stop codon, C replaced by G.
Molecular consequence: 3 prime UTR variant.
Genome position (GRCh38, 1-based): chr11:95,833,846, G>C on the plus strand (C>G on the coding strand, the complement: MTMR2 is on the minus strand). VCF-style: chr11-95833846-G-C. GRCh37 (hg19) VCF-style: chr11-95567010-G-C.
Other names: c.*1444C>G (NM_001243571.2, NM_201278.3, NM_201281.3).
Identifiers: ClinVar variation 306512 (VCV000306512.6), dbSNP rs149223349, ClinGen allele CA10631751.

ClinVar aggregate classification (germline): Benign. Review status: criteria provided, multiple submitters, no conflicts (2 of 4 stars). 2 submissions from 2 submitters: Benign (2). Last evaluated 2018-01-13.

Conditions:
Charcot-Marie-Tooth disease type 4B1. Also called: CHARCOT-MARIE-TOOTH DISEASE, AUTOSOMAL RECESSIVE, WITH FOCALLY FOLDED MYELIN SHEATHS, AUTOSOMAL RECESSIVE, TYPE 4B1; CHARCOT-MARIE-TOOTH DISEASE, TYPE 4B; Charcot-Marie-Tooth Neuropathy Type 4B1; CHARCOT-MARIE-TOOTH DISEASE, DEMYELINATING, TYPE 4B1. Identifiers: Orphanet 99955, MedGen C1832399, MONDO:0011066, OMIM 601382.

Allele frequency attached by ClinVar (database versions not stated): TOPMed 0.03119; gnomAD 0.04087; 1000 Genomes Project 0.04253; 1000 Genomes Project 30x 0.04497.

Submissions (2):

Illumina Laboratory Services, Illumina
Classification: Benign for Charcot-Marie-Tooth disease type 4B1. Last evaluated: 2018-01-13. Review status: criteria provided, single submitter. Criteria: ICSL Variant Classification Criteria 13 December 2019. Collection method: clinical testing. Allele origin: germline.
Comment: This variant was observed in the ICSL laboratory as part of a predisposition screen in an ostensibly healthy population. It had not been previously curated by ICSL or reported in the Human Gene Mutation Database (HGMD: prior to June 1st, 2018), and was therefore a candidate for classification through an automated scoring system. Utilizing variant allele frequency, disease prevalence and penetrance estimates, and inheritance mode, an automated score was calculated to assess if this variant is too frequent to cause the disease. Based on the score and internal cut-off values, a variant classified as benign is not then subjected to further curation. The score for this variant resulted in a classification of benign for this disease.

Breakthrough Genomics
Classification: Benign. Review status: criteria provided, single submitter. Criteria: ACMG Guidelines, 2015. Collection method: not provided. Allele origin: germline. Inheritance: Autosomal recessive inheritance. Affected: yes.